The following is an entry in ClinVar:

NM_198578.4(LRRK2):c.6868A>T (p.Ile2290Leu)

Gene: LRRK2 (leucine rich repeat kinase 2; plus strand). Cytogenetic location: 12q12.
Variant type: single nucleotide variant.
Coding change: c.6868A>T on transcript NM_198578.4 (MANE Select); coding-DNA position 6868, A replaced by T.
Protein change: p.Ile2290Leu; replaces isoleucine 2290 with leucine.
Molecular consequence: missense variant.
Genome position (GRCh38, 1-based): chr12:40,359,284, A>T. VCF-style: chr12-40359284-A-T. GRCh37 (hg19) VCF-style: chr12-40753086-A-T.
Other names: short protein forms I2290L.
Identifiers: ClinVar variation 1755865 (VCV001755865.3), dbSNP rs748637945, ClinGen allele CA6514793.
Genomic context (GRCh38, chr12:40,359,284, plus strand): 5'-ATTTGCTGAGTGTGTTTTCTTTTTTTTTTGGCAAAGCTTAAAGGAGCTGCTCCTTTGAAG[A>T]TACTAAATATAGGAAATGTCAGTACTCCATTGATGTGTTTGAGTGAATCCACAAATTCAA-3'
Protein context (NP_940980.4, residues 2280-2300): VKLKGAAPLK[Ile2290Leu]LNIGNVSTPL

ClinVar aggregate classification (germline): Uncertain significance (1 of 4 stars; one submission).

Conditions:
Inborn genetic diseases. Identifiers: MedGen C0950123, MeSH D030342.

Allele frequency attached by ClinVar (database versions not stated): ExAC 0.00001; TOPMed 0.00001.
gnomAD v4.1: 3 of 1,612,486 alleles (0.00019%); highest among the groups gnomAD compares: Non-Finnish European, 0.00025%; no homozygotes.

Submission:

Ambry Genetics
Classification: Uncertain significance for Inborn genetic diseases. Last evaluated: 2024-04-24. Review status: criteria provided, single submitter. Criteria: Ambry Variant Classification Scheme 2023. Collection method: clinical testing. Allele origin: germline.
Comment: The p.I2290L variant (also known as c.6868A>T), located in coding exon 47 of the LRRK2 gene, results from an A to T substitution at nucleotide position 6868. The isoleucine at codon 2290 is replaced by leucine, an amino acid with highly similar properties. This amino acid position is conserved. In addition, this alteration is predicted to be tolerated by in silico analysis. Since supporting evidence is limited at this time, the clinical significance of this alteration remains unclear.